The following is an entry in ClinVar:

NM_000334.4(SCN4A):c.1585G>A (p.Gly529Ser)

Gene: SCN4A (sodium voltage-gated channel alpha subunit 4; minus strand). Cytogenetic location: 17q23.3.
Variant type: single nucleotide variant.
Coding change: c.1585G>A on transcript NM_000334.4 (MANE Select); coding-DNA position 1585, G replaced by A.
Protein change: p.Gly529Ser; replaces glycine 529 with serine.
Molecular consequence: missense variant.
Genome position (GRCh38, 1-based): chr17:63,963,693, C>T on the plus strand (G>A on the coding strand, the complement: SCN4A is on the minus strand). VCF-style: chr17-63963693-C-T. GRCh37 (hg19) VCF-style: chr17-62041053-C-T.
Other names: short protein forms G529S.
Identifiers: ClinVar variation 643556 (VCV000643556.18), dbSNP rs143457794, ClinGen allele CA8709801.
Genomic context (GRCh38, chr17:63,963,693, plus strand): 5'-ACCCCTACCTAAGTGGGCACGGGGGCACAAGGCACTCACCTTCCATGGCGTCGGAGATGC[C>T]GCTGTCTCCGCTGCTGCTCTGCCTCGGGGCTCCCTTCTCCCCTTGCGATGTGTCCAGGCT-3'
Protein context (NP_000325.4, residues 519-539): APRQSSSGDS[Gly529Ser]ISDAMEELEE

ClinVar aggregate classification (germline): Uncertain significance. Review status: criteria provided, multiple submitters, no conflicts (2 of 4 stars). 6 submissions from 6 submitters: Uncertain significance (6). Last evaluated 2025-09-25.

Conditions:
Inborn genetic diseases. Identifiers: MedGen C0950123, MeSH D030342.
Potassium-aggravated myotonia. Also called: MYOTONIA CONGENITA, ACETAZOLAMIDE-RESPONSIVE; MYOTONIA CONGENITA, ATYPICAL; SODIUM CHANNEL MUSCLE DISEASE; Myotonia congenita, atypical, acetazolamide-responsive. Identifiers: Orphanet 612, Orphanet 99734, Orphanet 99735, Orphanet 99736, MedGen C2931826, MONDO:0018959, OMIM 608390.
Hypokalemic periodic paralysis, type 2 (HOKPP2). Identifiers: Orphanet 681, MedGen C2750061, MONDO:0013234, OMIM 613345.
Paramyotonia congenita of Von Eulenburg. Also called: PARALYSIS PERIODICA PARAMYOTONICA; Paramyotonia Congenita; Eulenburg disease; Myotonia congenita intermittens; Von Eulenburg paramyotonia congenita. Identifiers: Orphanet 684, MedGen C0221055, MONDO:0008195, OMIM 168300. Disease mechanism: loss of function.
Hyperkalemic periodic paralysis. Also called: Familial hyperkalemic periodic paralysis; Gamstorp disease. Identifiers: Orphanet 682, MedGen C0238357, MONDO:0008224, OMIM 170500, HP:0007215.
Hypokalemic periodic paralysis, type 1. Also called: Hypokalemic Periodic Paralysis Type 1 (AD); HypoPP. Identifiers: Orphanet 681, MedGen C3714580, MONDO:0042979, OMIM 170400.
Congenital myasthenic syndrome 16. Identifiers: Orphanet 590, MedGen C3280112, MONDO:0013620, OMIM 614198.

Allele frequency attached by ClinVar (database versions not stated): 1000 Genomes Project 30x 0.00016; TOPMed 0.00002; 1000 Genomes Project 0.00020.

Submissions (6):

Labcorp Genetics (formerly Invitae), Labcorp
Classification: Uncertain significance for Hyperkalemic periodic paralysis. Last evaluated: 2025-09-25. Review status: criteria provided, single submitter. Criteria: Invitae Variant Classification Sherloc (09022015). Collection method: clinical testing. Allele origin: germline.
Comment: This sequence change replaces glycine, which is neutral and non-polar, with serine, which is neutral and polar, at codon 529 of the SCN4A protein (p.Gly529Ser). This variant is present in population databases (rs143457794, gnomAD 0.006%). This variant has not been reported in the literature in individuals affected with SCN4A-related conditions. ClinVar contains an entry for this variant (Variation ID: 643556). Invitae Evidence Modeling of protein sequence and biophysical properties (such as structural, functional, and spatial information, amino acid conservation, physicochemical variation, residue mobility, and thermodynamic stability) indicates that this missense variant is not expected to disrupt SCN4A protein function with a negative predictive value of 95%. In summary, the available evidence is currently insufficient to determine the role of this variant in disease. Therefore, it has been classified as a Variant of Uncertain Significance.

Ambry Genetics
Classification: Uncertain significance for Inborn genetic diseases. Last evaluated: 2025-03-14. Review status: criteria provided, single submitter. Criteria: Ambry Variant Classification Scheme 2023. Collection method: clinical testing. Allele origin: germline.

Blueprint Genetics
Classification: Uncertain significance. Last evaluated: 2024-11-14. Review status: criteria provided, single submitter. Criteria: ACMG Guidelines, 2015. Collection method: clinical testing. Allele origin: germline.

Fulgent Genetics
Classification: Uncertain significance for Paramyotonia congenita of Von Eulenburg; Hypokalemic periodic paralysis, type 1; Hyperkalemic periodic paralysis; Potassium-aggravated myotonia; Hypokalemic periodic paralysis, type 2; Congenital myasthenic syndrome 16. Last evaluated: 2022-05-05. Review status: criteria provided, single submitter. Criteria: ACMG Guidelines, 2015. Collection method: clinical testing. Allele origin: unknown.

Revvity Omics, Revvity
Classification: Uncertain significance. Last evaluated: 2022-01-25. Review status: criteria provided, single submitter. Criteria: ACMG Guidelines, 2015. Collection method: clinical testing. Allele origin: germline.

Athena Diagnostics
Classification: Uncertain significance. Last evaluated: 2019-04-09. Review status: criteria provided, single submitter. Criteria: Athena Diagnostics Criteria. Collection method: clinical testing. Allele origin: germline.